The following is an entry in ClinVar:

ClinVar aggregate classification (germline): Benign. Review status: criteria provided, multiple submitters, no conflicts (2 of 4 stars). 3 submissions from 3 submitters: Benign (3). Last evaluated 2023-04-11.

Conditions:
Pyridoxine-dependent epilepsy (EPEO4). Also called: Pyridoxine-Dependent Seizures; EPILEPSY, EARLY-ONSET, 4, VITAMIN B6-DEPENDENT; PYRIDOXINE DEPENDENCY WITH SEIZURES; Pyridoxine-Dependent Epilepsy - ALDH7A1. Identifiers: Orphanet 3006, MedGen C1849508, MONDO:0009945, OMIM 266100. Disease mechanism: loss of function.

Allele frequency attached by ClinVar (database versions not stated): 1000 Genomes Project 0.10224; gnomAD 0.10337 and 0.11028; 1000 Genomes Project 30x 0.10962; TOPMed 0.11521.

Submissions (3):

Genome-Nilou Lab
Classification: Benign for Pyridoxine-dependent epilepsy. Last evaluated: 2023-04-11. Review status: criteria provided, single submitter. Criteria: ACMG Guidelines, 2015. Collection method: clinical testing. Allele origin: germline. Affected: no.

GeneDx
Classification: Benign. Last evaluated: 2018-06-26. Review status: criteria provided, single submitter. Criteria: GeneDx Variant Classification Process June 2021. Collection method: clinical testing. Allele origin: germline. Affected: yes.

Illumina Laboratory Services, Illumina
Classification: Benign for Pyridoxine-dependent epilepsy. Last evaluated: 2018-01-13. Review status: criteria provided, single submitter. Criteria: ICSL Variant Classification Criteria 13 December 2019. Collection method: clinical testing. Allele origin: germline.
Comment: This variant was observed in the ICSL laboratory as part of a predisposition screen in an ostensibly healthy population. It had not been previously curated by ICSL or reported in the Human Gene Mutation Database (HGMD: prior to June 1st, 2018), and was therefore a candidate for classification through an automated scoring system. Utilizing variant allele frequency, disease prevalence and penetrance estimates, and inheritance mode, an automated score was calculated to assess if this variant is too frequent to cause the disease. Based on the score and internal cut-off values, a variant classified as benign is not then subjected to further curation. The score for this variant resulted in a classification of benign for this disease.

NM_001182.4(ALDH7A1):c.-151C>T

Gene: ALDH7A1 (aldehyde dehydrogenase 7 family member A1; minus strand). Cytogenetic location: 5q23.2.
Variant type: single nucleotide variant.
Coding change: c.-151C>T on transcript NM_001182.4; 151 bases upstream of the start codon, C replaced by T.
Genome position (GRCh38, 1-based): chr5:126,595,349, G>A on the plus strand (C>T on the coding strand, the complement: ALDH7A1 is on the minus strand). VCF-style: chr5-126595349-G-A. GRCh37 (hg19) VCF-style: chr5-125931041-G-A.
Identifiers: ClinVar variation 350592 (VCV000350592.9), dbSNP rs900640, ClinGen allele CA10622354.
Genomic context (GRCh38, chr5:126,595,349, plus strand): 5'-CCGACCCCTCCCACTGGGCACGACCCCGCCACCGCCCCGTCTGCCCCTGGTCTTCCGGAG[G>A]AGCCTGCGGCTGAATCCTGCCTGGAACAATGGGAGTGCTACAGGGAGGAGTGGGCTGCTG-3'